The following is an entry in ClinVar:

NM_000169.3(GLA):c.525_526del (p.Asp175fs)

Genes: GLA (galactosidase alpha; minus strand), RPL36A-HNRNPH2 (RPL36A-HNRNPH2 readthrough; plus strand). Cytogenetic location: Xq22.1.
Variant type: Deletion.
Coding change: c.525_526del on transcript NM_000169.3 (MANE Select); coding-DNA positions 525 to 526, 2 bases deleted (CA; older notation c.525_526delCA).
Protein change: p.Asp175fs; shifts the reading frame from aspartic acid 175.
Molecular consequence: frameshift variant. On other transcripts: non-coding transcript variant (3), intron variant (2).
Genome position (GRCh38, 1-based): chrX:101,401,653-101,401,654, TG deleted on the plus strand (CA on the coding strand, the reverse complement: GLA is on the minus strand); deleting any 2 consecutive bases within chrX:101,401,653-101,401,655 gives the same sequence; the c. name uses the placement nearest the transcript's 3' end. VCF-style (leftmost placement, unchanged base first): chrX-101401652-CTG-C. GRCh37 (hg19) VCF-style: chrX-100656640-CTG-C.
Other names: c.648_649del, p.Asp216fs (NM_001406747.1, NM_001406749.1); c.525_526del, p.Asp175fs (NM_001406748.1); c.300+6197_300+6198del (NM_001199973.2); c.177+9832_177+9833del (NM_001199974.2); short protein forms D175fs, D216fs.
Identifiers: ClinVar variation 4086971 (VCV004086971.2).

ClinVar aggregate classification (germline): Pathogenic (1 of 4 stars; one submission).

Conditions:
Fabry disease. Also called: ALPHA-GALACTOSIDASE A DEFICIENCY; ANDERSON-FABRY DISEASE; CERAMIDE TRIHEXOSIDASE DEFICIENCY; GLA DEFICIENCY; HEREDITARY DYSTOPIC LIPIDOSIS; Angiokeratoma corporis diffusum. Identifiers: Orphanet 324, MedGen C0002986, MONDO:0010526, OMIM 301500, HP:0001071. Disease mechanism: Fabry disease is due to inactivating mutations in the X-linked GLA gene resulting in deficiency of the enzyme Alpha Galactosidase-A., loss of function.

Submission:

Genomenon, Inc
Classification: Pathogenic for Fabry disease. Last evaluated: 2026-09-08. Review status: criteria provided, single submitter. Criteria: Genomenon Sequence Variant Interpretation Standards - Updated. Collection method: curation. Allele origin: germline. Affected: no.
Comment: GLA p.Asp175GlufsTer10 (c.525_526del) is a frameshift variant that is predicted to introduce a premature termination codon and result in a truncated or absent protein product. This variant has been reported in the published literature (PMID:23935525). At least one functional study has demonstrated a substantial alteration in protein function relative to the wild-type (PMID:23935525). It is absent or not present at a significant frequency in gnomAD. In conclusion, we classify GLA p.Asp175GlufsTer10 (c.525_526del) as a pathogenic variant.

Literature cited by the submitters: PubMed 23935525.